The following is an entry in ClinVar:

NM_002471.4(MYH6):c.3609C>G (p.Ala1203=)

Gene: MYH6 (myosin heavy chain 6; minus strand). Cytogenetic location: 14q11.2.
Variant type: single nucleotide variant.
Coding change: c.3609C>G on transcript NM_002471.4 (MANE Select); coding-DNA position 3609, C replaced by G.
Protein change: p.Ala1203=; no amino-acid change (alanine 1203 retained).
Molecular consequence: synonymous variant.
Genome position (GRCh38, 1-based): chr14:23,390,180, G>C on the plus strand (C>G on the coding strand, the complement: MYH6 is on the minus strand). VCF-style: chr14-23390180-G-C. GRCh37 (hg19) VCF-style: chr14-23859389-G-C.
Identifiers: ClinVar variation 44487 (VCV000044487.37), dbSNP rs149369904, ClinGen allele CA134341.

ClinVar aggregate classification (germline): Benign. Review status: criteria provided, multiple submitters, no conflicts (2 of 4 stars). 10 submissions from 10 submitters: Benign (7). 3 of the submissions do not count toward it. Last evaluated 2026-01-27.

Conditions:
Cardiovascular phenotype. Identifiers: MedGen CN230736.
Cardiomyopathy (CMYO). Also called: Cardiomyopathies. Identifiers: Orphanet 167848, MedGen C0878544, MONDO:0004994, HP:0001638. Inheritance: Various modes of inheritance.
Hypertrophic cardiomyopathy 14. Identifiers: MedGen C2750467, MONDO:0013197, OMIM 613251.

Allele frequency attached by ClinVar (database versions not stated): 1000 Genomes Project 30x 0.00781; ESP Exome Variant Server 0.01158.
gnomAD v4.1: 2,659 of 1,607,540 alleles (0.17%); highest among the groups gnomAD compares: African/African-American, 3.1%; 43 homozygotes.

Submissions (10):

Labcorp Genetics (formerly Invitae), Labcorp
Classification: Benign for Hypertrophic cardiomyopathy 14. Last evaluated: 2026-01-27. Review status: criteria provided, single submitter. Criteria: Invitae Variant Classification Sherloc (09022015). Collection method: clinical testing. Allele origin: germline.

ARUP Laboratories, Molecular Genetics and Genomics, ARUP Laboratories
Classification: Benign. Last evaluated: 2025-06-18. Review status: criteria provided, single submitter. Criteria: ARUP Molecular Germline Variant Investigation Process 2024. Collection method: clinical testing. Allele origin: germline.

CHEO Genetics Diagnostic Laboratory, Children's Hospital of Eastern Ontario
Classification: Benign for Cardiomyopathy. Last evaluated: 2017-08-21. Review status: criteria provided, single submitter. Criteria: ACMG Guidelines, 2015. Collection method: clinical testing. Allele origin: germline. Study: Canadian Open Genetics Repository.

GeneDx
Classification: Benign. Last evaluated: 2016-11-21. Review status: criteria provided, single submitter. Criteria: GeneDx Variant Classification (06012015). Collection method: clinical testing. Allele origin: germline. Affected: yes.
Comment: This variant is considered likely benign or benign based on one or more of the following criteria: it is a conservative change, it occurs at a poorly conserved position in the protein, it is predicted to be benign by multiple in silico algorithms, and/or has population frequency not consistent with disease.

Ambry Genetics
Classification: Benign for Cardiovascular phenotype. Last evaluated: 2015-07-08. Review status: criteria provided, single submitter. Criteria: Ambry Variant Classification Scheme 2023. Collection method: clinical testing. Allele origin: germline.

Laboratory for Molecular Medicine, Mass General Brigham Personalized Medicine
Classification: Benign. Last evaluated: 2012-04-03. Review status: criteria provided, single submitter. Criteria: LMM Criteria. Collection method: clinical testing. Allele origin: germline. Observed: 13 variant alleles.

Breakthrough Genomics
Classification: Benign. Review status: criteria provided, single submitter. Criteria: ACMG Guidelines, 2015. Collection method: not provided. Allele origin: germline. Inheritance: Autosomal dominant inheritance. Affected: yes.

Clinical Genetics, Academic Medical Center
Classification: Benign. Review status: no assertion criteria provided. Collection method: clinical testing. Allele origin: germline. Affected: yes. Study: VKGL Data-share Consensus. Not counted in ClinVar's aggregate classification.

Diagnostic Laboratory, Department of Genetics, University Medical Center Groningen
Classification: Likely benign. Review status: no assertion criteria provided. Collection method: clinical testing. Allele origin: germline. Affected: yes. Study: VKGL Data-share Consensus. Not counted in ClinVar's aggregate classification.

Joint Genome Diagnostic Labs from Nijmegen and Maastricht, Radboudumc and MUMC+
Classification: Likely benign. Review status: no assertion criteria provided. Collection method: clinical testing. Allele origin: germline. Affected: yes. Study: VKGL Data-share Consensus. Not counted in ClinVar's aggregate classification.